The following is an entry in ClinVar:

ClinVar aggregate classification (germline): Uncertain significance (1 of 4 stars; one submission).

Submission:

Dasa
Classification: Uncertain significance. Last evaluated: 2026-05-04. Review status: criteria provided, single submitter. Criteria: DASA Assertion Criteria. Collection method: clinical testing. Allele origin: germline.
Comment: NM_001243133.2(NLRP3):c.287A>C (p.Asn96Thr) is a missense variant that results in the substitution of asparagine with threonine. This variant is rare in population databases. Computational prediction algorithms are consistent with a benign effect. The currently available literature and clinical evidence are not sufficient to establish a definitive association between this variant and the reported condition. Therefore, this variant is classified as a variant of uncertain significance.

NM_001243133.2(NLRP3):c.287A>C (p.Asn96Thr)

Gene: NLRP3 (NLR family pyrin domain containing 3; plus strand). Cytogenetic location: 1q44.
Variant type: single nucleotide variant.
Coding change: c.287A>C on transcript NM_001243133.2 (MANE Select); coding-DNA position 287, A replaced by C.
Protein change: p.Asn96Thr; replaces asparagine 96 with threonine.
Molecular consequence: missense variant.
Genome position (GRCh38, 1-based): chr1:247,423,239, A>C. VCF-style: chr1-247423239-A-C. GRCh37 (hg19) VCF-style: chr1-247586541-A-C.
Other names: c.287A>C, p.Asn96Thr (NM_001079821.3, NM_001127461.3, NM_001127462.3 and 1 more transcripts); c.293A>C, p.Asn98Thr (NM_004895.5); short protein forms N96T, N98T.
Identifiers: ClinVar variation 5020634 (VCV005020634.1).